The following is an entry in ClinVar:

ClinVar aggregate classification (germline): Likely pathogenic (1 of 4 stars; one submission).

Conditions:
Mucopolysaccharidosis, MPS-II (MPS2). Also called: IDS deficiency; Sulfoiduronate sulfatase deficiency; SIDS deficiency; Mucopolysaccharidosis with skin involvement; Mucopolysaccharidosis type 2; Attenuated MPS (subtype; formerly known as mild MPS II). Identifiers: Orphanet 580, Orphanet 79388, MedGen C0026705, MONDO:0010674, OMIM 309900.

Submission:

Laboratory of Diagnosis and Therapy of Lysosomal Disorders, University of Padova
Classification: Likely pathogenic for Mucopolysaccharidosis, MPS-II. Last evaluated: 2024-06-07. Review status: criteria provided, single submitter. Criteria: ACMG Guidelines, 2015. Collection method: literature only. Allele origin: germline. Affected: yes. Observed: 1 variant allele.
Comment: Absent from controls (or at low frequency) in gnomAD database (PM2_Moderate), Missense variant in a gene with a low rate of benign missense variation (PP2_Supporting), Multiple lines of computational evidence support a deleterious effect (PP3_Supporting), Patient’s phenotype or family history highly specific for the disease (PP4_Strong)

Classification method: ACMG Guidelines [PMID:25741868] with modifications

Literature cited by the submitters: PubMed 12794697.

NM_000202.8(IDS):c.1464G>T (p.Met488Ile)

Gene: IDS (iduronate 2-sulfatase; minus strand). Cytogenetic location: Xq28.
Variant type: single nucleotide variant.
Coding change: c.1464G>T on transcript NM_000202.8 (MANE Select); coding-DNA position 1464, G replaced by T.
Protein change: p.Met488Ile; replaces methionine 488 with isoleucine.
Molecular consequence: missense variant.
Genome position (GRCh38, 1-based): chrX:149,482,935, C>A on the plus strand (G>T on the coding strand, the complement: IDS is on the minus strand). VCF-style: chrX-149482935-C-A. GRCh37 (hg19) VCF-style: chrX-148564466-C-A.
Other names: c.1194G>T, p.Met398Ile (NM_001166550.4); short protein forms M488I, M398I.
Identifiers: ClinVar variation 242749 (VCV000242749.3), dbSNP rs104894862.